The following is an entry in ClinVar:

ClinVar aggregate classification (germline): Uncertain significance. Review status: reviewed by expert panel (3 of 4 stars). 6 submissions from 6 submitters: Uncertain significance (1). 5 of the submissions do not count toward it. Last evaluated 2024-08-20.

Conditions:
Glanzmann thrombasthenia. Also called: THROMBASTHENIA OF GLANZMANN AND NAEGELI; Glanzmann's thrombasthenia; PLATELET GLYCOPROTEIN IIb-IIIa DEFICIENCY; Thrombasthenia. Identifiers: Orphanet 849, MedGen C0040015, MONDO:0100326.
ITGB3-related disorder. Also called: ITGB3-related condition.

Allele frequency attached by ClinVar (database versions not stated): gnomAD 0.00009 and 0.00010; ExAC 0.00012; TOPMed 0.00012; gnomAD exomes 0.00014; ESP Exome Variant Server 0.00015.
gnomAD v4.1: 161 of 1,614,018 alleles (0.01%); highest among the groups gnomAD compares: Middle Eastern, 0.31%; 1 homozygote.

Submissions (6):

ClinGen Platelet Disorders Variant Curation Expert Panel, ClinGen
Classification: Uncertain significance for Glanzmann thrombasthenia. Last evaluated: 2024-08-20. Review status: reviewed by expert panel. Criteria: ClinGen Platelet ACMG Specifications v2-1. Collection method: curation. Allele origin: germline. Inheritance: Autosomal recessive inheritance.
Comment: The ITGB3 missense variant NM_000212.2:c.985A>G replaces the asparagine residue with an aspartic acid residue (p.Asn329Asp). At least one proband (DOI 10.1182/blood-2023-182694) with this variant displayed mucocutaneous bleeding and impaired aggregation with all agonists except ristocetin, which is highly specific for Glanzmann thrombasthenia (PP4_moderate). Additionally, αIIbβ3 surface expression was absent or reduced, as measured by flow cytometry. However, ITGA2B and ITGB3 were not reported to be sequenced across all exons and intron/exon boundaries. In silico tools predict the variant is damaging to protein function (REVEL score of 0.911; PP3). The highest population minor allele frequency in gnomAD v4.1.0 is 0.003123 (19/6084 alleles) in the Middle Eastern population, which is higher than the ClinGen PD VCEP BS1 threshold (>0.00158). In summary, this variant is of uncertain significance. GT-specific criteria applied: BS1, PP4_Moderate, PP3.

Labcorp Genetics (formerly Invitae), Labcorp
Classification: Uncertain significance. Last evaluated: 2025-11-05. Review status: criteria provided, single submitter. Criteria: Invitae Variant Classification Sherloc (09022015). Collection method: clinical testing. Allele origin: germline. Not counted in ClinVar's aggregate classification.
Comment: This sequence change replaces asparagine, which is neutral and polar, with aspartic acid, which is acidic and polar, at codon 329 of the ITGB3 protein (p.Asn329Asp). This variant is present in population databases (rs201550717, gnomAD 0.02%). This missense change has been observed in individual(s) with ITGB3-related conditions (PMID: 30792900, 36519321). ClinVar contains an entry for this variant (Variation ID: 323865). Invitae Evidence Modeling of protein sequence and biophysical properties (such as structural, functional, and spatial information, amino acid conservation, physicochemical variation, residue mobility, and thermodynamic stability) has been performed for this missense variant. However, the output from this modeling did not meet the statistical confidence thresholds required to predict the impact of this variant on ITGB3 protein function. In summary, the available evidence is currently insufficient to determine the role of this variant in disease. Therefore, it has been classified as a Variant of Uncertain Significance.

Blueprint Genetics
Classification: Uncertain significance. Last evaluated: 2024-11-01. Review status: criteria provided, single submitter. Criteria: ACMG Guidelines, 2015. Collection method: clinical testing. Allele origin: germline. Not counted in ClinVar's aggregate classification.

Women's Health and Genetics/Laboratory Corporation of America, LabCorp
Classification: Uncertain significance. Last evaluated: 2024-02-07. Review status: criteria provided, single submitter. Criteria: LabCorp Variant Classification Summary - May 2015. Collection method: clinical testing. Allele origin: germline. Not counted in ClinVar's aggregate classification.
Comment: Variant summary: ITGB3 c.985A>G (p.Asn329Asp) results in a conservative amino acid change located in the Integrin beta subunit, VWA domain (IPR002369) of the encoded protein sequence. Four of five in-silico tools predict a damaging effect of the variant on protein function. The variant allele was found at a frequency of 0.00014 in 251470 control chromosomes (gnomAD). c.985A>G has been reported in the literature in individuals suspected with Glanzmann thrombasthenia (example: Owaidah_2018) and Macrothrombocytopenia (example: Gilad_2022) in heterozygous state. These report(s) do not provide unequivocal conclusions about association of the variant with Glanzmann Thrombasthenia 2. To our knowledge, no experimental evidence demonstrating an impact on protein function has been reported. The following publications have been ascertained in the context of this evaluation (PMID: 35295078, 30792900). ClinVar contains an entry for this variant (Variation ID: 323865). Based on the evidence outlined above, the variant was classified as uncertain significance.

Illumina Laboratory Services, Illumina
Classification: Uncertain significance for Glanzmann thrombasthenia 1. Last evaluated: 2018-01-13. Review status: criteria provided, single submitter. Criteria: ICSL Variant Classification Criteria 13 December 2019. Collection method: clinical testing. Allele origin: germline. Not counted in ClinVar's aggregate classification.

PreventionGenetics, part of Exact Sciences
Classification: Uncertain significance for ITGB3-related condition. Last evaluated: 2024-09-17. Review status: no assertion criteria provided. Collection method: clinical testing. Allele origin: germline. Not counted in ClinVar's aggregate classification.
Comment: The ITGB3 c.985A>G variant is predicted to result in the amino acid substitution p.Asn329Asp. This variant has been reported in the heterozygous state in individuals with Glanzmann thrombasthenia (Owaidah et al. 2019. PubMed ID: 30792900), in an individual with macrothrombocytopenia (Table S4, Gilad et al. 2022. PubMed ID: 35295078). This variant has also been reported in individuals with thrombocytopenia (Table S4, Marconi et al. 2023. PubMed ID: 36519321). This variant is reported in 0.017% of alleles in individuals of European (Non-Finnish) descent in gnomAD. At this time, the clinical significance of this variant is uncertain due to the absence of conclusive functional and genetic evidence.

Literature cited by the submitters: PubMed 30792900 (cited by Labcorp Genetics (formerly Invitae), Labcorp and Women's Health and Genetics/Laboratory Corporation of America, LabCorp); PubMed 36519321 (cited by Labcorp Genetics (formerly Invitae), Labcorp); PubMed 35295078 (cited by Women's Health and Genetics/Laboratory Corporation of America, LabCorp).

NM_000212.3(ITGB3):c.985A>G (p.Asn329Asp)

Gene: ITGB3 (integrin subunit beta 3; plus strand). Cytogenetic location: 17q21.32.
Variant type: single nucleotide variant.
Coding change: c.985A>G on transcript NM_000212.3 (MANE Select); coding-DNA position 985, A replaced by G.
Protein change: p.Asn329Asp; replaces asparagine 329 with aspartic acid.
Molecular consequence: missense variant.
Genome position (GRCh38, 1-based): chr17:47,289,726, A>G. VCF-style: chr17-47289726-A-G. GRCh37 (hg19) VCF-style: chr17-45367092-A-G.
Other names: c.985A>G (NM_000212.2); short protein forms N329D.
Identifiers: ClinVar variation 323865 (VCV000323865.17), dbSNP rs201550717, ClinGen allele CA8623107.
Genomic context (GRCh38, chr17:47,289,726, plus strand): 5'-CCTTCATTTTCCTAGGATTATCCCTCTTTGGGGCTGATGACTGAGAAGCTATCCCAGAAA[A>G]ACATCAATTTGATCTTTGCAGTGACTGAAAATGTAGTCAATCTCTATCAGGTGACTGTGC-3'
Protein context (NP_000203.2, residues 319-339): GLMTEKLSQK[Asn329Asp]INLIFAVTEN